The following is an entry in ClinVar:

NM_001042492.3(NF1):c.3432T>A (p.Cys1144Ter)

Gene: NF1 (neurofibromin 1; plus strand). Cytogenetic location: 17q11.2.
Variant type: single nucleotide variant.
Coding change: c.3432T>A on transcript NM_001042492.3 (MANE Select); coding-DNA position 3432, T replaced by A.
Protein change: p.Cys1144Ter; replaces cysteine 1144 with a stop codon.
Molecular consequence: nonsense.
Genome position (GRCh38, 1-based): chr17:31,232,817, T>A. VCF-style: chr17-31232817-T-A. GRCh37 (hg19) VCF-style: chr17-29559835-T-A.
Other names: c.3432T>A, p.Cys1144Ter (NM_000267.4); short protein forms C1144*.
Identifiers: ClinVar variation 928870 (VCV000928870.5), dbSNP rs2067136971, ClinGen allele CA398989251.
Genomic context (GRCh38, chr17:31,232,817, plus strand): 5'-TGCGCAAACAGGTGGCAGGAAACGTGGCATGTCTCGGAGGCTGGCATCACTGAGGCACTG[T>A]ACGGTCCTTGCAATGTCAAACTTACTCAATGCCAACGTAGACAGTGGTCTCATGCACTCC-3'

ClinVar aggregate classification (germline): Pathogenic/Likely pathogenic. Review status: criteria provided, multiple submitters, no conflicts (2 of 4 stars). 2 submissions from 2 submitters: Pathogenic (1); Likely pathogenic (1). Last evaluated 2022-09-14.

Conditions:
RASopathy. Also called: rasopathies; Noonan spectrum disorder. Identifiers: Orphanet 536391, MedGen C5555857, MONDO:0021060.
Neurofibromatosis, type 1 (NF1). Also called: VON RECKLINGHAUSEN DISEASE; Peripheral type neurofibromatosis; Neurofibromatosis, type I; NEUROFIBROMATOSIS, TYPE I, SOMATIC. Identifiers: Orphanet 636, MedGen C0027831, MONDO:0018975, OMIM 162200. Disease mechanism: loss of function.

Submissions (2):

Labcorp Genetics (formerly Invitae), Labcorp
Classification: Pathogenic for Neurofibromatosis, type 1. Last evaluated: 2022-09-14. Review status: criteria provided, single submitter. Criteria: Invitae Variant Classification Sherloc (09022015). Collection method: clinical testing. Allele origin: germline.
Comment: This sequence change creates a premature translational stop signal (p.Cys1144*) in the NF1 gene. It is expected to result in an absent or disrupted protein product. Loss-of-function variants in NF1 are known to be pathogenic (PMID: 10712197, 23913538). This variant is not present in population databases (gnomAD no frequency). This variant has not been reported in the literature in individuals affected with NF1-related conditions. ClinVar contains an entry for this variant (Variation ID: 928870). For these reasons, this variant has been classified as Pathogenic.

Women's Health and Genetics/Laboratory Corporation of America, LabCorp
Classification: Likely pathogenic for Rasopathy. Last evaluated: 2019-08-26. Review status: criteria provided, single submitter. Criteria: LabCorp Variant Classification Summary - May 2015. Collection method: clinical testing. Allele origin: germline.
Comment: Variant summary: NF1 c.3432T>A (p.Cys1144X) results in a premature termination codon, predicted to cause a truncation of the encoded protein or absence of the protein due to nonsense mediated decay, which are commonly known mechanisms for disease. Truncations downstream of this position have been classified as pathogenic by our laboratory (eg. c.3892C>T (p.Gln1298X), c.7486C>T(p.Arg2496X)). The variant was absent in 251374 control chromosomes (gnomAD). To our knowledge, no occurrence of c.3432T>A in individuals affected with Noonan Syndrome and Related Conditions and no experimental evidence demonstrating its impact on protein function have been reported. No submitters have provided clinical-significance assessments for this variant to ClinVar after 2014. Based on the evidence outlined above, the variant was classified as likely pathogenic.

Literature cited by the submitters: PubMed 10712197 (cited by Labcorp Genetics (formerly Invitae), Labcorp); PubMed 23913538 (cited by Labcorp Genetics (formerly Invitae), Labcorp).